The following is an entry in ClinVar:

ClinVar aggregate classification (germline): Uncertain significance (1 of 4 stars; one submission).

Conditions:
Rienhoff syndrome. Also called: LOEYS-DIETZ SYNDROME 5. Identifiers: MedGen C3810012, MONDO:0014262, OMIM 615582.

Submission:

Labcorp Genetics (formerly Invitae), Labcorp
Classification: Uncertain significance for Rienhoff syndrome. Last evaluated: 2018-06-12. Review status: criteria provided, single submitter. Criteria: Invitae Variant Classification Sherloc (09022015). Collection method: clinical testing. Allele origin: germline.
Comment: This variant has not been reported in the literature in individuals with TGFB3-related disease. This variant is not present in population databases (ExAC no frequency). This sequence change replaces arginine with isoleucine at codon 143 of the TGFB3 protein (p.Arg143Ile). The arginine residue is weakly conserved and there is a moderate physicochemical difference between arginine and isoleucine. In summary, the available evidence is currently insufficient to determine the role of this variant in disease. Therefore, it has been classified as a Variant of Uncertain Significance. Algorithms developed to predict the effect of missense changes on protein structure and function (SIFT, PolyPhen-2, Align-GVGD) all suggest that this variant is likely to be tolerated, but these predictions have not been confirmed by published functional studies and their clinical significance is uncertain.

NM_003239.5(TGFB3):c.428G>T (p.Arg143Ile)

Gene: TGFB3 (transforming growth factor beta 3; minus strand). Cytogenetic location: 14q24.3.
Variant type: single nucleotide variant.
Coding change: c.428G>T on transcript NM_003239.5 (MANE Select); coding-DNA position 428, G replaced by T.
Protein change: p.Arg143Ile; replaces arginine 143 with isoleucine.
Molecular consequence: missense variant.
Genome position (GRCh38, 1-based): chr14:75,971,643, C>A on the plus strand (G>T on the coding strand, the complement: TGFB3 is on the minus strand). VCF-style: chr14-75971643-C-A. GRCh37 (hg19) VCF-style: chr14-76437986-C-A.
Other names: c.428G>T, p.Arg143Ile (NM_001329938.2, NM_001329939.2); short protein forms R143I.
Identifiers: ClinVar variation 574852 (VCV000574852.9), dbSNP rs532403511, ClinGen allele CA390470120.
Genomic context (GRCh38, chr14:75,971,643, plus strand): 5'-CGCTTAGAGCTGGGGTTGGGCACCCGCAAGACCCGGAATTCTGCTCGGAATAGGTTGGTT[C>A]TATTTTTCTCCACTGAGGACACATTGAAGCGGAAAACCTTGGAGGTAATTCCTTTAGGGC-3'
Protein context (NP_003230.1, residues 133-153): RFNVSSVEKN[Arg143Ile]TNLFRAEFRV